The following is an entry in ClinVar:

NM_001354604.2(MITF):c.475C>A (p.Pro159Thr)

Gene: MITF (melanocyte inducing transcription factor; plus strand). Cytogenetic location: 3p13.
Variant type: single nucleotide variant.
Coding change: c.475C>A on transcript NM_001354604.2 (MANE Select); coding-DNA position 475, C replaced by A.
Protein change: p.Pro159Thr; replaces proline 159 with threonine.
Molecular consequence: missense variant. On other transcripts: intron variant (1).
Genome position (GRCh38, 1-based): chr3:69,937,942, C>A. VCF-style: chr3-69937942-C-A. GRCh37 (hg19) VCF-style: chr3-69987093-C-A.
Other names: c.154C>A, p.Pro52Thr (NM_000248.4, NM_001184968.2, NM_198158.3); c.319C>A, p.Pro107Thr (NM_001184967.2, NM_001354608.2); c.472C>A, p.Pro158Thr (NM_001354605.2, NM_001354606.2, NM_006722.3); c.424C>A, p.Pro142Thr (NM_001354607.2); c.475C>A, p.Pro159Thr (NM_198159.3); c.427C>A, p.Pro143Thr (NM_198177.3); c.93+61C>A (NM_198178.3); short protein forms P107T, P142T, P143T, P158T, P159T, P52T.
Identifiers: ClinVar variation 3751255 (VCV003751255.2).

ClinVar aggregate classification (germline): Uncertain significance. Review status: criteria provided, multiple submitters, no conflicts (2 of 4 stars). 2 submissions from 2 submitters: Uncertain significance (2). Last evaluated 2025-02-08.

Conditions:
Tietz syndrome (TADS). Also called: HYPOPIGMENTATION/DEAFNESS OF TIETZ; TIETZ ALBINISM-DEAFNESS SYNDROME; ALBINISM-DEAFNESS OF TIETZ. Identifiers: Orphanet 42665, MedGen C0391816, MONDO:0007077, OMIM 103500.
Waardenburg syndrome type 2A (WS2A). Also called: WAARDENBURG SYNDROME WITHOUT DYSTOPIA CANTHORUM. Identifiers: Orphanet 3440, MedGen C1860339, MONDO:0008671, OMIM 193510.
Melanoma, cutaneous malignant, susceptibility to, 8. Also called: MELANOMA AND RENAL CELL CARCINOMA, SUSCEPTIBILITY TO; Cutaneous malignant melanoma 8. Identifiers: Orphanet 293822, MedGen C3152204, MONDO:0013759, OMIM 614456.
Hereditary cancer-predisposing syndrome. Also called: Hereditary neoplastic syndrome; Tumor predisposition; Hereditary Cancer Syndrome; Neoplastic Syndromes, Hereditary. Identifiers: Orphanet 140162, MedGen C0027672, MeSH D009386, MONDO:0015356.

Submissions (2):

Ambry Genetics
Classification: Uncertain significance for Hereditary cancer-predisposing syndrome. Last evaluated: 2025-02-08. Review status: criteria provided, single submitter. Criteria: Ambry Variant Classification Scheme 2023. Collection method: clinical testing. Allele origin: germline.
Comment: The p.P52T variant (also known as c.154C>A), located in coding exon 2 of the MITF gene, results from a C to A substitution at nucleotide position 154. The proline at codon 52 is replaced by threonine, an amino acid with highly similar properties. This amino acid position is conserved. In addition, the in silico prediction for this alteration is inconclusive. Based on the available evidence, the clinical significance of this variant remains unclear.

Labcorp Genetics (formerly Invitae), Labcorp
Classification: Uncertain significance for Melanoma, cutaneous malignant, susceptibility to, 8; Waardenburg syndrome type 2A; Tietz syndrome. Last evaluated: 2025-01-25. Review status: criteria provided, single submitter. Criteria: Invitae Variant Classification Sherloc (09022015). Collection method: clinical testing. Allele origin: germline.
Comment: This sequence change replaces proline, which is neutral and non-polar, with threonine, which is neutral and polar, at codon 52 of the MITF protein (p.Pro52Thr). This variant is not present in population databases (gnomAD no frequency). This variant has not been reported in the literature in individuals affected with MITF-related conditions. Invitae Evidence Modeling of protein sequence and biophysical properties (such as structural, functional, and spatial information, amino acid conservation, physicochemical variation, residue mobility, and thermodynamic stability) indicates that this missense variant is not expected to disrupt MITF protein function with a negative predictive value of 80%. In summary, the available evidence is currently insufficient to determine the role of this variant in disease. Therefore, it has been classified as a Variant of Uncertain Significance.